The following is an entry in ClinVar:

NM_000548.5(TSC2):c.1889G>A (p.Gly630Asp)

Gene: TSC2 (TSC complex subunit 2; plus strand). Cytogenetic location: 16p13.3.
Variant type: single nucleotide variant.
Coding change: c.1889G>A on transcript NM_000548.5 (MANE Select); coding-DNA position 1889, G replaced by A.
Protein change: p.Gly630Asp; replaces glycine 630 with aspartic acid.
Molecular consequence: missense variant.
Genome position (GRCh38, 1-based): chr16:2,071,559, G>A. VCF-style: chr16-2071559-G-A. GRCh37 (hg19) VCF-style: chr16-2121560-G-A.
Other names: c.1889G>A, p.Gly630Asp (NM_001077183.3, NM_001114382.3, NM_001363528.2 and 3 more transcripts); c.1778G>A, p.Gly593Asp (NM_001318827.2); c.1742G>A, p.Gly581Asp (NM_001318829.2); c.1289G>A, p.Gly430Asp (NM_001318831.2); c.1922G>A, p.Gly641Asp (NM_001318832.2); short protein forms G630D, G581D, G641D, G430D, G593D.
Identifiers: ClinVar variation 379559 (VCV000379559.22), dbSNP rs1057520642, ClinGen allele CA16606929.
Genomic context (GRCh38, chr16:2,071,559, plus strand): 5'-CTTCCTGACAGGCCTTTGACTTCCTGTTGCTGCTGCGGGCCGACTCACTGCACCGCCTGG[G>A]CCTGCCCAACAAGGATGGAGTCGTGCGGTTCAGCCCCTACTGCGTCTGCGACTACATGTA-3'
Protein context (NP_000539.2, residues 620-640): LLRADSLHRL[Gly630Asp]LPNKDGVVRF

ClinVar aggregate classification (germline): Conflicting classifications of pathogenicity. Review status: criteria provided, conflicting classifications (1 of 4 stars). 6 submissions from 6 submitters: Likely pathogenic (1); Uncertain significance (5). Last evaluated 2026-08-11.

Conditions:
Lymphangiomyomatosis (LAM). Also called: Lymphangioleiomyomatosis; Lymphangioleiomyomatosis, somatic. Identifiers: Orphanet 538, MedGen C0751674, MONDO:0011705, OMIM 606690.
Tuberous sclerosis 2 (TSC2). Identifiers: Orphanet 805, MedGen C1860707, MONDO:0013199, OMIM 613254.
Isolated focal cortical dysplasia type II (FCORD2). Also called: CORTICAL DYSPLASIA OF TAYLOR; Focal cortical dysplasia type II. Identifiers: Orphanet 268994, MedGen C1846385, MONDO:0011818, OMIM 607341, HP:0032051.
Hereditary cancer-predisposing syndrome. Also called: Hereditary neoplastic syndrome; Tumor predisposition; Hereditary Cancer Syndrome; Neoplastic Syndromes, Hereditary. Identifiers: Orphanet 140162, MedGen C0027672, MeSH D009386, MONDO:0015356.

Submissions (6):

GeneDx
Classification: Uncertain significance. Last evaluated: 2026-08-11. Review status: criteria provided, single submitter. Criteria: GeneDx Variant Classification Process June 2021. Collection method: clinical testing. Allele origin: germline.
Comment: Not observed at significant frequency in large population cohorts (gnomAD); In silico analysis supports that this missense variant has a deleterious effect on protein structure/function; Has not been previously published as pathogenic or benign to our knowledge

Labcorp Genetics (formerly Invitae), Labcorp
Classification: Uncertain significance for Tuberous sclerosis 2. Last evaluated: 2024-06-28. Review status: criteria provided, single submitter. Criteria: Invitae Variant Classification Sherloc (09022015). Collection method: clinical testing. Allele origin: germline.
Comment: This sequence change replaces glycine, which is neutral and non-polar, with aspartic acid, which is acidic and polar, at codon 630 of the TSC2 protein (p.Gly630Asp). This variant is not present in population databases (gnomAD no frequency). This variant has not been reported in the literature in individuals affected with TSC2-related conditions. ClinVar contains an entry for this variant (Variation ID: 379559). Advanced modeling of protein sequence and biophysical properties (such as structural, functional, and spatial information, amino acid conservation, physicochemical variation, residue mobility, and thermodynamic stability) has been performed at Invitae for this missense variant, however the output from this modeling did not meet the statistical confidence thresholds required to predict the impact of this variant on TSC2 protein function. In summary, the available evidence is currently insufficient to determine the role of this variant in disease. Therefore, it has been classified as a Variant of Uncertain Significance.

Fulgent Genetics
Classification: Uncertain significance for Lymphangiomyomatosis; Isolated focal cortical dysplasia type II; Tuberous sclerosis 2. Last evaluated: 2024-06-05. Review status: criteria provided, single submitter. Criteria: ACMG Guidelines, 2015. Collection method: clinical testing. Allele origin: germline.

Genome-Nilou Lab
Classification: Uncertain significance for Tuberous sclerosis 2. Last evaluated: 2021-11-07. Review status: criteria provided, single submitter. Criteria: ACMG Guidelines, 2015. Collection method: clinical testing. Allele origin: germline. Affected: no.

Ambry Genetics
Classification: Likely pathogenic for Hereditary cancer-predisposing syndrome. Last evaluated: 2021-01-06. Review status: criteria provided, single submitter. Criteria: Ambry Variant Classification Scheme 2023. Collection method: clinical testing. Allele origin: germline.
Comment: The p.G630D variant (also known as c.1889G>A), located in coding exon 17 of the TSC2 gene, results from a G to A substitution at nucleotide position 1889. The glycine at codon 630 is replaced by aspartic acid, an amino acid with similar properties. This amino acid position is highly conserved in available vertebrate species. In addition, this alteration is predicted to be deleterious by in silico analysis. This alteration has been observed in multiple individuals with a personal and/or family history that is consistent with TSC2-related disease (Ambry internal data). Based on the majority of available evidence to date, this variant is likely to be pathogenic.

ARUP Laboratories, Molecular Genetics and Genomics, ARUP Laboratories
Classification: Uncertain significance. Last evaluated: 2017-03-27. Review status: criteria provided, single submitter. Criteria: ARUP Molecular Germline Variant Investigation Process. Collection method: clinical testing. Allele origin: germline.